The following is an entry in ClinVar:

ClinVar aggregate classification (germline): Conflicting classifications of pathogenicity. Review status: criteria provided, conflicting classifications (1 of 4 stars). 2 submissions from 2 submitters: Pathogenic (1); Uncertain significance (1). Last evaluated 2025-06-18.

Conditions:
Inborn genetic diseases. Identifiers: MedGen C0950123, MeSH D030342.

Submissions (2):

Labcorp Genetics (formerly Invitae), Labcorp
Classification: Pathogenic. Last evaluated: 2025-06-18. Review status: criteria provided, single submitter. Criteria: Invitae Variant Classification Sherloc (09022015). Collection method: clinical testing. Allele origin: germline.
Comment: This sequence change creates a premature translational stop signal (p.Tyr545*) in the MBD4 gene. While this is not anticipated to result in nonsense mediated decay, it is expected to disrupt the last 36 amino acid(s) of the MBD4 protein. This variant is present in population databases (no rsID available, gnomAD 0.0009%). This variant has not been reported in the literature in individuals affected with MBD4-related conditions. ClinVar contains an entry for this variant (Variation ID: 3661181). Algorithms developed to predict the effect of sequence changes on RNA splicing suggest that this variant may disrupt the consensus splice site. This variant disrupts a region of the MBD4 protein in which other variant(s) (p.Leu563*) have been determined to be pathogenic (PMID: 30049810, 30714079, 32239153, 35460607; internal data). This suggests that this is a clinically significant region of the protein, and that variants that disrupt it are likely to be disease-causing. For these reasons, this variant has been classified as Pathogenic.

Ambry Genetics
Classification: Uncertain significance for Inborn genetic diseases. Last evaluated: 2025-05-05. Review status: criteria provided, single submitter. Criteria: Ambry Variant Classification Scheme 2023. Collection method: clinical testing. Allele origin: germline.
Comment: The c.1616dupA variant, located in coding exon 7 of the MBD4 gene, results from a duplication of A at nucleotide position 1616, causing a translational frameshift with a predicted alternate stop codon (p.Y539*). This alteration occurs at the 3' terminus of theMBD4 gene, is not expected to trigger nonsense-mediated mRNAdecay, and impacts the last 6.43% of the protein. The exact functional effect of this alteration is unknown. Based on the available evidence, the clinical significance of this variant remains unclear.

Literature cited by the submitters: PubMed 30049810 (cited by Labcorp Genetics (formerly Invitae), Labcorp); PubMed 30714079 (cited by Labcorp Genetics (formerly Invitae), Labcorp); PubMed 32239153 (cited by Labcorp Genetics (formerly Invitae), Labcorp); PubMed 35460607 (cited by Labcorp Genetics (formerly Invitae), Labcorp).

NM_001276270.2(MBD4):c.1616dup (p.Tyr539Ter)

Gene: MBD4 (methyl-CpG binding domain 4, DNA glycosylase; minus strand). Cytogenetic location: 3q21.3.
Variant type: Duplication.
Coding change: c.1616dup on transcript NM_001276270.2 (MANE Select); coding-DNA position 1616, one base duplicated (A; older notation c.1616dupA).
Protein change: p.Tyr539Ter; replaces tyrosine 539 with a stop codon.
Molecular consequence: nonsense. On other transcripts: intron variant (1).
Genome position (GRCh38, 1-based): chr3:129,432,534, T duplicated on the plus strand (A on the coding strand, the reverse complement: MBD4 is on the minus strand). VCF-style (leftmost placement, unchanged base first): chr3-129432533-G-GT. GRCh37 (hg19) VCF-style: chr3-129151376-G-GT.
Other names: c.1616dupA (NM_001276270.2); c.1634dup, p.Tyr545Ter (NM_001276271.2, NM_003925.3); c.680dup, p.Tyr227Ter (NM_001276273.2); c.1612+22dup (NM_001276272.2); short protein forms Y227*, Y545*, Y539*.
Identifiers: ClinVar variation 3661181 (VCV003661181.3).
Genomic context (GRCh38, chr3:129,432,533, plus strand): 5'-TGCTGAATTATGGATGGGAGTGAGCCTCACCTGCTTCCACTCATTGACACAAAAAATTCG[G>GT]TAAGAGTCGTTGCCATATTTACCAATCCCATGAAGCTCAATTGGATACTTCCACTGCTTT-3'